The following is an entry in ClinVar:

NM_016955.4(SEPSECS):c.197_200del (p.Asn65_Phe66insTer)

Gene: SEPSECS (Sep (O-phosphoserine) tRNA:Sec (selenocysteine) tRNA synthase; minus strand). Cytogenetic location: 4p15.2.
Variant type: Deletion.
Coding change: c.197_200del on transcript NM_016955.4 (MANE Select); coding-DNA positions 197 to 200, 4 bases deleted (TCTT; older notation c.197_200delTCTT).
Protein change: p.Asn65_Phe66insTer.
Molecular consequence: nonsense.
Genome position (GRCh38, 1-based): chr4:25,159,022-25,159,025, AAGA deleted on the plus strand (TCTT on the coding strand, the reverse complement: SEPSECS is on the minus strand); deleting any 4 consecutive bases within chr4:25,159,022-25,159,027 gives the same sequence; the c. name uses the placement nearest the transcript's 3' end. VCF-style (leftmost placement, unchanged base first): chr4-25159021-TAAGA-T. GRCh37 (hg19) VCF-style: chr4-25160643-TAAGA-T.
Other names: c.452_455del, p.Asn150_Phe151insTer (NM_001410714.1).
Identifiers: ClinVar variation 4061257 (VCV004061257.3).
Genomic context (GRCh38, chr4:25,159,021, plus strand): 5'-ACGACGAGCAACCAGTGCGGATGCCACTCTCCCTTCCCTTTCTCCCACACCACAATTGCC[TAAGA>T]AATTGTTGCTGTCCATGATTGCAAGTTCATGTAAAAAGAGTTCAAGTGTACTTTCATCCC-3'

ClinVar aggregate classification (germline): Likely pathogenic (1 of 4 stars; one submission).

Conditions:
Pontocerebellar hypoplasia type 2D (PCH2D). Also called: Progressive cerebello-cerebral atrophy. Identifiers: Orphanet 247198, Orphanet 2524, MedGen C3151140, MONDO:0013438, OMIM 613811.

Submission:

Natera, Inc.
Classification: Likely pathogenic for Pontocerebellar hypoplasia type 2d. Last evaluated: 2025-03-22. Review status: criteria provided, single submitter. Criteria: Natera Variant Classification Schema (03/2026). Collection method: clinical testing. Allele origin: germline.
Comment: The c.197_200del variant in SEPSECS is a frameshift variant predicted to shift the reading frame and introduce a stop codon. This variant is expected to result in nonsense mediated decay, truncation, or a dysfunctional protein product. This variant is rare in the general population with a frequency below the threshold expected for the associated phenotype(s). Given the available evidence, this variant is classified as Likely Pathogenic.